The following is an entry in ClinVar:

NM_003285.3(TNR):c.3724G>C (p.Asp1242His)

Gene: TNR (tenascin R; minus strand). Cytogenetic location: 1q25.1.
Variant type: single nucleotide variant.
Coding change: c.3724G>C on transcript NM_003285.3 (MANE Select); coding-DNA position 3724, G replaced by C.
Protein change: p.Asp1242His; replaces aspartic acid 1242 with histidine.
Molecular consequence: missense variant.
Genome position (GRCh38, 1-based): chr1:175,330,143, C>G on the plus strand (G>C on the coding strand, the complement: TNR is on the minus strand). VCF-style: chr1-175330143-C-G. GRCh37 (hg19) VCF-style: chr1-175299279-C-G.
Other names: c.2725G>C, p.Asp909His (NM_001328635.2); short protein forms D1242H, D909H.
Identifiers: ClinVar variation 3771632 (VCV003771632.13).
Genomic context (GRCh38, chr1:175,330,143, plus strand): 5'-CGTTGTAGCTTCCTATGCGGAGTTTGTACAGGTTTCTGCTGTCCTCGACAGAGAACCTGT[C>G]GTAGGAGGCGAAGGCGGCCTCTTGGCCATCCCGCATGTCCACGCGCAGCTCATAGCGGCC-3'
Protein context (NP_003276.3, residues 1232-1252): DGQEAAFASY[Asp1242His]RFSVEDSRNL

ClinVar aggregate classification (germline): Uncertain significance (1 of 4 stars; one submission).

Submission:

CeGaT Center for Human Genetics Tuebingen
Classification: Uncertain significance. Last evaluated: 2025-02-01. Review status: criteria provided, single submitter. Criteria: CeGaT Center For Human Genetics Tuebingen Variant Classification Criteria Version 2. Collection method: clinical testing. Allele origin: germline. Affected: yes. Observed: 1 variant allele.
Comment: TNR: PM2